The following is an entry in ClinVar:

ClinVar aggregate classification (germline): Pathogenic (1 of 4 stars; one submission).

Submission:

Labcorp Genetics (formerly Invitae), Labcorp
Classification: Pathogenic. Last evaluated: 2024-02-09. Review status: criteria provided, single submitter. Criteria: Invitae Variant Classification Sherloc (09022015). Collection method: clinical testing. Allele origin: germline.
Comment: This sequence change creates a premature translational stop signal (p.Gln316*) in the CEP152 gene. It is expected to result in an absent or disrupted protein product. Loss-of-function variants in CEP152 are known to be pathogenic (PMID: 21131973). This variant is not present in population databases (gnomAD no frequency). This variant has not been reported in the literature in individuals affected with CEP152-related conditions. For these reasons, this variant has been classified as Pathogenic.

Literature cited by the submitters: PubMed 21131973.

NM_001194998.2(CEP152):c.946C>T (p.Gln316Ter)

Gene: CEP152 (centrosomal protein 152; minus strand). Cytogenetic location: 15q21.1.
Variant type: single nucleotide variant.
Coding change: c.946C>T on transcript NM_001194998.2 (MANE Select); coding-DNA position 946, C replaced by T.
Protein change: p.Gln316Ter; replaces glutamine 316 with a stop codon.
Molecular consequence: nonsense.
Genome position (GRCh38, 1-based): chr15:48,791,263, G>A on the plus strand (C>T on the coding strand, the complement: CEP152 is on the minus strand). VCF-style: chr15-48791263-G-A. GRCh37 (hg19) VCF-style: chr15-49083460-G-A.
Other names: c.946C>T, p.Gln316Ter (NM_014985.4); short protein forms Q316*.
Identifiers: ClinVar variation 3639865 (VCV003639865.2).